The following is an entry in ClinVar:

ClinVar aggregate classification (germline): Likely benign. Review status: criteria provided, multiple submitters, no conflicts (2 of 4 stars). 2 submissions from 2 submitters: Likely benign (2). Last evaluated 2024-12-10.

Conditions:
Long QT syndrome (LQTS). Identifiers: MedGen C0023976, MeSH D008133, MONDO:0002442. Disease mechanism: loss of function. Inheritance: Various modes of inheritance.

Allele frequency attached by ClinVar (database versions not stated): gnomAD exomes below 0.00001; TOPMed 0.00001.

Submissions (2):

Labcorp Genetics (formerly Invitae), Labcorp
Classification: Likely benign for Long QT syndrome. Last evaluated: 2024-12-10. Review status: criteria provided, single submitter. Criteria: Invitae Variant Classification Sherloc (09022015). Collection method: clinical testing. Allele origin: germline.

GeneDx
Classification: Likely benign. Last evaluated: 2016-04-13. Review status: criteria provided, single submitter. Criteria: GeneDx Variant Classification (06012015). Collection method: clinical testing. Allele origin: germline. Affected: yes.
Comment: This variant is considered likely benign or benign based on one or more of the following criteria: it is a conservative change, it occurs at a poorly conserved position in the protein, it is predicted to be benign by multiple in silico algorithms, and/or has population frequency not consistent with disease.

NM_000719.7(CACNA1C):c.1508+14dup

Gene: CACNA1C (calcium voltage-gated channel subunit alpha1 C; plus strand). Cytogenetic location: 12p13.33.
Variant type: Duplication.
Coding change: c.1508+14dup on transcript NM_000719.7 (MANE Select); 14 bases into the intron after coding-DNA position 1508, one base duplicated (A; older notation c.1508+14dupA).
Molecular consequence: intron variant.
Genome position (GRCh38, 1-based): chr12:2,556,991, A duplicated. VCF-style (leftmost placement, unchanged base first): chr12-2556990-C-CA. GRCh37 (hg19) VCF-style: chr12-2666156-C-CA.
Other names: c.1508+14dup (NM_001167624.3, NM_001167623.2, NM_001167625.2 and 18 more transcripts); c.1499+14dup (NM_001129844.2).
Identifiers: ClinVar variation 420925 (VCV000420925.6), dbSNP rs1428591728, ClinGen allele CA16619505.
Genomic context (GRCh38, chr12:2,556,990, plus strand): 5'-CATTTCCTTTTTCTTTTTCAGCCACCGGATCTCCAAGTCAAAGTTCAGGTGAGTGAGACT[C>CA]ACGCTGCTCTTCCTTCCTTCTGCCACCAGCTCTGTCTTCAGCCACCCTGTTGGGTGGCCC-3'